The following is an entry in ClinVar:

NC_000005.9:g.(?_90077227)_(90077415_?)del

Gene: ADGRV1 (adhesion G protein-coupled receptor V1; plus strand). Cytogenetic location: 5q14.3.
Variant type: Deletion.
Identifiers: ClinVar variation 3246535 (VCV003246535.1).

ClinVar aggregate classification (germline): Pathogenic (1 of 4 stars; one submission).

Submission:

Labcorp Genetics (formerly Invitae), Labcorp
Classification: Pathogenic. Last evaluated: 2023-09-27. Review status: criteria provided, single submitter. Criteria: Invitae Variant Classification Sherloc (09022015). Collection method: clinical testing. Allele origin: unknown.
Comment: This variant is a gross deletion of the genomic region encompassing exon(s) 65 of the ADGRV1 gene. This deletion is out-of-frame, and is expected to create a premature termination codon and result in an absent or disrupted protein product. Loss-of-function variants in ADGRV1 are known to be pathogenic (PMID: 19357117, 22135276, 22147658, 26226137, 30718709, 31047384, 32467589). This variant has not been reported in the literature in individuals affected with ADGRV1-related conditions. For these reasons, this variant has been classified as Pathogenic.

Literature cited by the submitters: PubMed 19357117; PubMed 22135276; PubMed 22147658; PubMed 26226137; PubMed 30718709; PubMed 31047384; PubMed 32467589.